The following is an entry in ClinVar:

NM_001378454.1(ALMS1):c.60_61insCAG (p.Glu20_Glu21insGln)

Gene: ALMS1 (ALMS1 centrosome and basal body associated protein; plus strand). Cytogenetic location: 2p13.1.
Variant type: Insertion.
Coding change: c.60_61insCAG on transcript NM_001378454.1 (MANE Select); coding-DNA positions 60 to 61, CAG inserted.
Protein change: p.Glu20_Glu21insGln.
Molecular consequence: inframe insertion.
Genome position: GRCh38 VCF-style: chr2-73385926-G-GAGC. GRCh37 (hg19) VCF-style: chr2-73613054-G-GAGC.
Other names: c.63_64insCAG, p.Glu21_Glu22insGln (NM_015120.4).
Identifiers: ClinVar variation 552168 (VCV000552168.5), dbSNP rs1553396137, ClinGen allele CA658822795.

ClinVar aggregate classification (germline): Uncertain significance. Review status: criteria provided, single submitter (1 of 4 stars). 2 submissions from 2 submitters: Uncertain significance (1). 1 of the submissions does not count toward it. Last evaluated 2022-09-13.

Conditions:
Alstrom syndrome (ALMS). Identifiers: Orphanet 64, MedGen C0268425, MONDO:0008763, OMIM 203800.

Submissions (2):

Labcorp Genetics (formerly Invitae), Labcorp
Classification: Uncertain significance for Alstrom syndrome. Last evaluated: 2022-09-13. Review status: criteria provided, single submitter. Criteria: Invitae Variant Classification Sherloc (09022015). Collection method: clinical testing. Allele origin: germline.
Comment: This variant, c.63_64insCAG, results in the insertion of 1 amino acid(s) of the ALMS1 protein (p.Glu21_Glu22insGln), but otherwise preserves the integrity of the reading frame. This variant is not present in population databases (gnomAD no frequency). This variant has not been reported in the literature in individuals affected with ALMS1-related conditions. ClinVar contains an entry for this variant (Variation ID: 552168). Experimental studies and prediction algorithms are not available or were not evaluated, and the functional significance of this variant is currently unknown. In summary, the available evidence is currently insufficient to determine the role of this variant in disease. Therefore, it has been classified as a Variant of Uncertain Significance.

Counsyl
Classification: Uncertain significance for Alstrom syndrome. Last evaluated: 2017-05-24. Review status: no assertion criteria provided. Collection method: clinical testing. Allele origin: unknown. Not counted in ClinVar's aggregate classification.